The following is an entry in ClinVar:

NM_004204.5(PIGQ):c.1561G>A (p.Glu521Lys)

Gene: PIGQ (phosphatidylinositol glycan anchor biosynthesis class Q; plus strand). Cytogenetic location: 16p13.3.
Variant type: single nucleotide variant.
Coding change: c.1561G>A on transcript NM_004204.5 (MANE Select); coding-DNA position 1561, G replaced by A.
Protein change: p.Glu521Lys; replaces glutamic acid 521 with lysine.
Molecular consequence: missense variant. On other transcripts: intron variant (1).
Genome position (GRCh38, 1-based): chr16:582,277, G>A. VCF-style: chr16-582277-G-A. GRCh37 (hg19) VCF-style: chr16-632277-G-A.
Other names: c.1532-606G>A (NM_148920.4); short protein forms E521K.
Identifiers: ClinVar variation 1059808 (VCV001059808.8), dbSNP rs766902402, ClinGen allele CA7780442.

ClinVar aggregate classification (germline): Uncertain significance (1 of 4 stars; one submission).

Conditions:
Epilepsy. Also called: Seizure disorder. Identifiers: MedGen C0014544, MeSH D004827, MONDO:0005027.

Allele frequency attached by ClinVar (database versions not stated): TOPMed 0.00005; gnomAD 0.00003; ExAC 0.00010; gnomAD exomes 0.00008.
gnomAD v4.1: 46 of 1,605,928 alleles (0.0029%); highest among the groups gnomAD compares: East Asian, 0.065%; no homozygotes.

Submission:

Labcorp Genetics (formerly Invitae), Labcorp
Classification: Uncertain significance for Epilepsy. Last evaluated: 2024-10-16. Review status: criteria provided, single submitter. Criteria: Invitae Variant Classification Sherloc (09022015). Collection method: clinical testing. Allele origin: germline.
Comment: This sequence change replaces glutamic acid, which is acidic and polar, with lysine, which is basic and polar, at codon 521 of the PIGQ protein (p.Glu521Lys). This variant is present in population databases (rs766902402, gnomAD 0.1%). This variant has not been reported in the literature in individuals affected with PIGQ-related conditions. ClinVar contains an entry for this variant (Variation ID: 1059808). An algorithm developed to predict the effect of missense changes on protein structure and function (PolyPhen-2) suggests that this variant is likely to be tolerated. In summary, the available evidence is currently insufficient to determine the role of this variant in disease. Therefore, it has been classified as a Variant of Uncertain Significance.